The following is an entry in ClinVar:

NM_000548.5(TSC2):c.1007A>G (p.Tyr336Cys)

Gene: TSC2 (TSC complex subunit 2; plus strand). Cytogenetic location: 16p13.3.
Variant type: single nucleotide variant.
Coding change: c.1007A>G on transcript NM_000548.5 (MANE Select); coding-DNA position 1007, A replaced by G.
Protein change: p.Tyr336Cys; replaces tyrosine 336 with cysteine.
Molecular consequence: missense variant.
Genome position (GRCh38, 1-based): chr16:2,060,701, A>G. VCF-style: chr16-2060701-A-G. GRCh37 (hg19) VCF-style: chr16-2110702-A-G.
Other names: c.1007A>G, p.Tyr336Cys (NM_001077183.3, NM_001114382.3, NM_001363528.2 and 3 more transcripts); c.896A>G, p.Tyr299Cys (NM_001318827.2); c.860A>G, p.Tyr287Cys (NM_001318829.2); c.407A>G, p.Tyr136Cys (NM_001318831.2); c.1040A>G, p.Tyr347Cys (NM_001318832.2); c.1007A>G (NM_000548.4); short protein forms Y336C, Y287C, Y299C, Y136C, Y347C.
Identifiers: ClinVar variation 535893 (VCV000535893.17), dbSNP rs780378198, ClinGen allele CA027968.

ClinVar aggregate classification (germline): Conflicting classifications of pathogenicity. Review status: criteria provided, conflicting classifications (1 of 4 stars). 5 submissions from 5 submitters: Uncertain significance (3); Likely benign (1). 1 of the submissions does not count toward it. Last evaluated 2025-12-16.

Conditions:
TSC2-related disorder. Also called: TSC2-Related Disorders; TSC2-related condition.
Tuberous sclerosis syndrome (TSC). Also called: Tuberous Sclerosis Complex; Tuberous sclerosis. Identifiers: Orphanet 805, MedGen C0041341, MONDO:0001734.
Hereditary cancer-predisposing syndrome. Also called: Neoplastic Syndromes, Hereditary; Tumor predisposition; Hereditary Cancer Syndrome; Hereditary neoplastic syndrome. Identifiers: Orphanet 140162, MedGen C0027672, MeSH D009386, MONDO:0015356.
Tuberous sclerosis 2 (TSC2). Identifiers: Orphanet 805, MedGen C1860707, MONDO:0013199, OMIM 613254.

Allele frequency attached by ClinVar (database versions not stated): ExAC 0.00001; gnomAD 0.00001; gnomAD exomes 0.00001 and 0.00002.
gnomAD v4.1: 31 of 1,613,910 alleles (0.0019%); highest among the groups gnomAD compares: Non-Finnish European, 0.0024%; no homozygotes.

Submissions (5):

Labcorp Genetics (formerly Invitae), Labcorp
Classification: Likely benign for Tuberous sclerosis 2. Last evaluated: 2025-12-16. Review status: criteria provided, single submitter. Criteria: Invitae Variant Classification Sherloc (09022015). Collection method: clinical testing. Allele origin: germline.

All of Us Research Program, National Institutes of Health
Classification: Uncertain significance for Tuberous sclerosis syndrome. Last evaluated: 2024-08-13. Review status: criteria provided, single submitter. Criteria: ACMG Guidelines, 2015. Collection method: clinical testing. Allele origin: germline. Inheritance: Autosomal dominant inheritance. Observed: 1 variant allele, 1 heterozygote.
Comment: This missense variant replaces tyrosine with cysteine at codon 336 of the TSC2 protein. Computational prediction suggests that this variant may have deleterious impact on protein structure and function (internally defined REVEL score threshold >= 0.7, PMID: 27666373). To our knowledge, functional studies have not been reported for this variant. This variant has not been reported in individuals affected with TSC2-related disorders in the literature. This variant has been identified in 3/282766 chromosomes in the general population by the Genome Aggregation Database (gnomAD). The available evidence is insufficient to determine the role of this variant in disease conclusively. Therefore, this variant is classified as a Variant of Uncertain Significance.

This study involves interpretation of variants in research participants for the purpose of population health screening. Participant phenotype was not available at the time of variant classification. Additional details can be found in publication PMID: 35346344, PMCID: PMC8962531

Color Diagnostics, LLC DBA Color Health
Classification: Uncertain significance for Tuberous sclerosis syndrome. Last evaluated: 2024-07-23. Review status: criteria provided, single submitter. Criteria: ACMG Guidelines, 2015. Collection method: clinical testing. Allele origin: germline.
Comment: This missense variant replaces tyrosine with cysteine at codon 336 of the TSC2 protein. Computational prediction suggests that this variant may have deleterious impact on protein structure and function. To our knowledge, functional studies have not been reported for this variant. This variant has not been reported in individuals affected with TSC2-related disorders in the literature. This variant has been identified in 3/282766 chromosomes in the general population by the Genome Aggregation Database (gnomAD). The available evidence is insufficient to determine the role of this variant in disease conclusively. Therefore, this variant is classified as a Variant of Uncertain Significance.

Ambry Genetics
Classification: Uncertain significance for Hereditary cancer-predisposing syndrome. Last evaluated: 2024-02-22. Review status: criteria provided, single submitter. Criteria: Ambry Variant Classification Scheme 2023. Collection method: clinical testing. Allele origin: germline.
Comment: The p.Y336C variant (also known as c.1007A>G), located in coding exon 10 of the TSC2 gene, results from an A to G substitution at nucleotide position 1007. The tyrosine at codon 336 is replaced by cysteine, an amino acid with highly dissimilar properties. This amino acid position is highly conserved in available vertebrate species. In addition, this alteration is predicted to be deleterious by in silico analysis. Since supporting evidence is limited at this time, the clinical significance of this alteration remains unclear.

PreventionGenetics, part of Exact Sciences
Classification: Uncertain significance for TSC2-related condition. Last evaluated: 2024-06-04. Review status: no assertion criteria provided. Collection method: clinical testing. Allele origin: germline. Not counted in ClinVar's aggregate classification.
Comment: The TSC2 c.1007A>G variant is predicted to result in the amino acid substitution p.Tyr336Cys. To our knowledge, this variant has not been reported in the literature. This variant is reported in 0.0040% of alleles in individuals of African descent in gnomAD. At this time, the clinical significance of this variant is uncertain due to the absence of conclusive functional and genetic evidence.